The following is an entry in ClinVar:

NM_004104.5(FASN):c.3586C>G (p.Leu1196Val)

Gene: FASN (fatty acid synthase; minus strand). Cytogenetic location: 17q25.3.
Variant type: single nucleotide variant.
Coding change: c.3586C>G on transcript NM_004104.5 (MANE Select); coding-DNA position 3586, C replaced by G.
Protein change: p.Leu1196Val; replaces leucine 1196 with valine.
Molecular consequence: missense variant.
Genome position (GRCh38, 1-based): chr17:82,086,400, G>C on the plus strand (C>G on the coding strand, the complement: FASN is on the minus strand). VCF-style: chr17-82086400-G-C. GRCh37 (hg19) VCF-style: chr17-80044276-G-C.
Other names: short protein forms L1196V.
Identifiers: ClinVar variation 1400124 (VCV001400124.8), dbSNP rs1177370577, ClinGen allele CA401551822.
Genomic context (GRCh38, chr17:82,086,400, plus strand): 5'-TGAGCAGAGGGTCCTCTGGCAGCTTGGGCCTCTCCTGGGCCAGCACCTGCGCCAGCTCCA[G>C]CTGCAGGTTCCCGTTGAGCTGAAGCCTGCAGGCAGCCGACAACAGCCGGGGCAGTTCCTG-3'
Protein context (NP_004095.4, residues 1186-1206): CRLQLNGNLQ[Leu1196Val]ELAQVLAQER

ClinVar aggregate classification (germline): Uncertain significance (1 of 4 stars; one submission).

Conditions:
Epileptic encephalopathy. Identifiers: MedGen C0543888, HP:0200134.

Allele frequency attached by ClinVar (database versions not stated): gnomAD exomes below 0.00001.
gnomAD v4.1: 1 of 1,610,760 alleles (0.000062%); highest among the groups gnomAD compares: Admixed American, 0.0017%; no homozygotes.

Submission:

Labcorp Genetics (formerly Invitae), Labcorp
Classification: Uncertain significance for Epileptic encephalopathy. Last evaluated: 2021-02-19. Review status: criteria provided, single submitter. Criteria: Invitae Variant Classification Sherloc (09022015). Collection method: clinical testing. Allele origin: germline.
Comment: Algorithms developed to predict the effect of missense changes on protein structure and function output the following: SIFT: "Tolerated"; PolyPhen-2: "Benign"; Align-GVGD: "Class C0". The valine amino acid residue is found in multiple mammalian species, suggesting that this missense change does not adversely affect protein function. These predictions have not been confirmed by published functional studies and their clinical significance is uncertain. Algorithms developed to predict the effect of sequence changes on RNA splicing suggest that this variant may create or strengthen a splice site, but this prediction has not been confirmed by published transcriptional studies. In summary, the available evidence is currently insufficient to determine the role of this variant in disease. Therefore, it has been classified as a Variant of Uncertain Significance. This variant has not been reported in the literature in individuals with FASN-related conditions. This sequence change replaces leucine with valine at codon 1196 of the FASN protein (p.Leu1196Val). The leucine residue is weakly conserved and there is a small physicochemical difference between leucine and valine. This variant is not present in population databases (ExAC no frequency).